The following is an entry in ClinVar:

ClinVar aggregate classification (germline): Likely benign. Review status: criteria provided, single submitter (1 of 4 stars). 2 submissions from 2 submitters: Likely benign (1). 1 of the submissions does not count toward it. Last evaluated 2025-09-10.

Conditions:
NTRK2-related disorder. Also called: NTRK2-related condition.

Allele frequency attached by ClinVar (database versions not stated): gnomAD exomes below 0.00001 and 0.00003; gnomAD 0.00002; TOPMed 0.00002.
gnomAD v4.1: 49 of 1,613,900 alleles (0.003%); highest among the groups gnomAD compares: Non-Finnish European, 0.0039%; no homozygotes.

Submissions (2):

Labcorp Genetics (formerly Invitae), Labcorp
Classification: Likely benign. Last evaluated: 2025-09-10. Review status: criteria provided, single submitter. Criteria: Invitae Variant Classification Sherloc (09022015). Collection method: clinical testing. Allele origin: germline.

PreventionGenetics, part of Exact Sciences
Classification: Likely benign for NTRK2-related condition. Last evaluated: 2021-12-22. Review status: no assertion criteria provided. Collection method: clinical testing. Allele origin: germline. Not counted in ClinVar's aggregate classification.
Comment: This variant is classified as likely benign based on ACMG/AMP sequence variant interpretation guidelines (Richards et al. 2015 PMID: 25741868, with internal and published modifications).

NM_006180.6(NTRK2):c.1869C>T (p.Cys623=)

Gene: NTRK2 (neurotrophic receptor tyrosine kinase 2; plus strand). Cytogenetic location: 9q21.33.
Variant type: single nucleotide variant.
Coding change: c.1869C>T on transcript NM_006180.6 (MANE Select); coding-DNA position 1869, C replaced by T.
Protein change: p.Cys623=; no amino-acid change (cysteine 623 retained).
Molecular consequence: synonymous variant.
Genome position (GRCh38, 1-based): chr9:84,948,566, C>T. VCF-style: chr9-84948566-C-T. GRCh37 (hg19) VCF-style: chr9-87563481-C-T.
Other names: c.1821C>T, p.Cys607= (NM_001018064.3, NM_001369532.1, NM_001369533.1); c.1785C>T, p.Cys595= (NM_001369534.1); c.1353C>T, p.Cys451= (NM_001369535.1); c.1401C>T, p.Cys467= (NM_001369536.1); c.1869C>T (NM_006180.4).
Identifiers: ClinVar variation 1411385 (VCV001411385.10), dbSNP rs201002337, ClinGen allele CA195814400.